The following is an entry in ClinVar:

NM_001145860.2(POP1):c.496G>C (p.Ala166Pro)

Gene: POP1 (POP1 ribonuclease P/MRP subunit; plus strand). Cytogenetic location: 8q22.2.
Variant type: single nucleotide variant.
Coding change: c.496G>C on transcript NM_001145860.2 (MANE Select); coding-DNA position 496, G replaced by C.
Protein change: p.Ala166Pro; replaces alanine 166 with proline.
Molecular consequence: missense variant.
Genome position (GRCh38, 1-based): chr8:98,129,987, G>C. VCF-style: chr8-98129987-G-C. GRCh37 (hg19) VCF-style: chr8-99142215-G-C.
Other names: c.496G>C (NM_015029.2); c.496G>C, p.Ala166Pro (NM_001145861.2, NM_015029.3); short protein forms A166P.
Identifiers: ClinVar variation 2180956 (VCV002180956.4), dbSNP rs780356575, ClinGen allele CA4820338.

ClinVar aggregate classification (germline): Uncertain significance. Review status: criteria provided, multiple submitters, no conflicts (2 of 4 stars). 3 submissions from 3 submitters: Uncertain significance (3). Last evaluated 2024-11-10.

Conditions:
Inborn genetic diseases. Identifiers: MedGen C0950123, MeSH D030342.

Allele frequency attached by ClinVar (database versions not stated): gnomAD exomes below 0.00001; ExAC 0.00001; gnomAD 0.00003; TOPMed 0.00005.
gnomAD v4.1: 5 of 1,613,958 alleles (0.00031%); highest among the groups gnomAD compares: Admixed American, 0.0083%; no homozygotes.

Submissions (3):

Ambry Genetics
Classification: Uncertain significance for Inborn genetic diseases. Last evaluated: 2024-11-10. Review status: criteria provided, single submitter. Criteria: Ambry Variant Classification Scheme 2023. Collection method: clinical testing. Allele origin: germline.

Labcorp Genetics (formerly Invitae), Labcorp
Classification: Uncertain significance. Last evaluated: 2022-07-13. Review status: criteria provided, single submitter. Criteria: Invitae Variant Classification Sherloc (09022015). Collection method: clinical testing. Allele origin: germline.
Comment: In summary, the available evidence is currently insufficient to determine the role of this variant in disease. Therefore, it has been classified as a Variant of Uncertain Significance. Algorithms developed to predict the effect of missense changes on protein structure and function (SIFT, PolyPhen-2, Align-GVGD) all suggest that this variant is likely to be tolerated. This variant has not been reported in the literature in individuals affected with POP1-related conditions. This variant is present in population databases (rs780356575, gnomAD 0.003%). This sequence change replaces alanine, which is neutral and non-polar, with proline, which is neutral and non-polar, at codon 166 of the POP1 protein (p.Ala166Pro).

Blueprint Genetics
Classification: Uncertain significance. Last evaluated: 2020-09-03. Review status: criteria provided, single submitter. Criteria: ACMG Guidelines, 2015. Collection method: clinical testing. Allele origin: germline.